The following is an entry in ClinVar:

ClinVar aggregate classification (germline): Uncertain significance. Review status: criteria provided, multiple submitters, no conflicts (2 of 4 stars). 3 submissions from 3 submitters: Uncertain significance (3). Last evaluated 2025-08-07.

Conditions:
Leukocyte adhesion deficiency 3. Also called: Leukocyte adhesion deficiency, type III; INTEGRIN ACTIVATION DEFICIENCY DISEASE; LEUKOCYTE ADHESION DEFICIENCY 1 VARIANT. Identifiers: Orphanet 2968, Orphanet 99844, MedGen C2748536, MONDO:0013016, OMIM 612840.
Inborn genetic diseases. Identifiers: MedGen C0950123, MeSH D030342.

Allele frequency attached by ClinVar (database versions not stated): ExAC 0.00002; gnomAD exomes 0.00003; gnomAD 0.00004; TOPMed 0.00004; ESP Exome Variant Server 0.00008.

Submissions (3):

Ambry Genetics
Classification: Uncertain significance for Inborn genetic diseases. Last evaluated: 2025-08-07. Review status: criteria provided, single submitter. Criteria: Ambry Variant Classification Scheme 2023. Collection method: clinical testing. Allele origin: germline.

Labcorp Genetics (formerly Invitae), Labcorp
Classification: Uncertain significance for Leukocyte adhesion deficiency 3. Last evaluated: 2024-06-03. Review status: criteria provided, single submitter. Criteria: Invitae Variant Classification Sherloc (09022015). Collection method: clinical testing. Allele origin: germline.
Comment: This sequence change replaces aspartic acid, which is acidic and polar, with alanine, which is neutral and non-polar, at codon 491 of the FERMT3 protein (p.Asp491Ala). This variant is present in population databases (rs142686129, gnomAD 0.004%). This variant has not been reported in the literature in individuals affected with FERMT3-related conditions. ClinVar contains an entry for this variant (Variation ID: 645185). An algorithm developed to predict the effect of missense changes on protein structure and function (PolyPhen-2) suggests that this variant¬†is likely to be tolerated. In summary, the available evidence is currently insufficient to determine the role of this variant in disease. Therefore, it has been classified as a Variant of Uncertain Significance.

Women's Health and Genetics/Laboratory Corporation of America, LabCorp
Classification: Uncertain significance. Last evaluated: 2024-03-19. Review status: criteria provided, single submitter. Criteria: LabCorp Variant Classification Summary - May 2015. Collection method: clinical testing. Allele origin: germline.
Comment: Variant summary: FERMT3 c.1472A>C (p.Asp491Ala) results in a non-conservative amino acid change located in the FERM central domain (IPR019748) of the encoded protein sequence. Four of five in-silico tools predict a benign effect of the variant on protein function. The variant allele was found at a frequency of 2.9e-05 in 238694 control chromosomes (gnomAD). The available data on variant occurrences in the general population are insufficient to allow any conclusion about variant significance. To our knowledge, no occurrence of c.1472A>C in individuals affected with Leukocyte Adhesion Deficiency, Type III and no experimental evidence demonstrating its impact on protein function have been reported. ClinVar contains an entry for this variant (Variation ID: 645185). Based on the evidence outlined above, the variant was classified as uncertain significance.

NM_031471.6(FERMT3):c.1472A>C (p.Asp491Ala)

Gene: FERMT3 (FERM domain containing kindlin 3; plus strand). Cytogenetic location: 11q13.1.
Variant type: single nucleotide variant.
Coding change: c.1472A>C on transcript NM_031471.6 (MANE Select); coding-DNA position 1472, A replaced by C.
Protein change: p.Asp491Ala; replaces aspartic acid 491 with alanine.
Molecular consequence: missense variant.
Genome position (GRCh38, 1-based): chr11:64,220,596, A>C. VCF-style: chr11-64220596-A-C. GRCh37 (hg19) VCF-style: chr11-63988068-A-C.
Other names: c.1472A>C, p.Asp491Ala (NM_001382361.1, NM_001382448.1); c.1484A>C, p.Asp495Ala (NM_001382362.1, NM_178443.3); c.932A>C, p.Asp311Ala (NM_001382363.1); c.944A>C, p.Asp315Ala (NM_001382364.1); short protein forms D491A, D495A, D311A, D315A.
Identifiers: ClinVar variation 645185 (VCV000645185.7), dbSNP rs142686129, ClinGen allele CA6069173.
Genomic context (GRCh38, chr11:64,220,596, plus strand): 5'-CCTTCCTCAGCCTGCAGCGCACGGGCAGTGGGGGCCCGGGCAACCACCCCCACGGCCCTG[A>C]TGCCTCTGCCGAGGGCCTCAACCCCTACGGCCTCGTTGCCCCCCGTTTCCAGCGAAAGTT-3'
Protein context (NP_113659.3, residues 481-501): GGPGNHPHGP[Asp491Ala]ASAEGLNPYG